The following is an entry in ClinVar:

ClinVar aggregate classification (germline): Likely pathogenic (1 of 4 stars; one submission).

Conditions:
Congenital neutropenia-myelofibrosis-nephromegaly syndrome. Also called: Severe congenital neutropenia 5, autosomal recessive. Identifiers: Orphanet 369852, MedGen C3809031, MONDO:0014118, OMIM 615285.

Submission:

Natera, Inc.
Classification: Likely pathogenic for Autosomal recessive severe congenital neutropenia 5. Last evaluated: 2025-09-09. Review status: criteria provided, single submitter. Criteria: Natera Variant Classification Schema (03/2026). Collection method: clinical testing. Allele origin: germline.
Comment: The c.272del variant in VPS45 is a frameshift variant predicted to shift the reading frame beginning at codon 91 and leads to a stop codon 11 codons downstream. This variant is expected to result in nonsense mediated decay, truncation, or a dysfunctional protein product. This variant is rare in the general population with a frequency below the threshold expected for the associated phenotype(s). Given the available evidence, this variant is classified as Likely Pathogenic.

NM_007259.5(VPS45):c.272del (p.Tyr91fs)

Gene: VPS45 (vacuolar protein sorting 45 homolog; plus strand). Cytogenetic location: 1q21.2.
Variant type: Deletion.
Coding change: c.272del on transcript NM_007259.5 (MANE Select); coding-DNA position 272, one base deleted (A; older notation c.272delA).
Protein change: p.Tyr91fs; shifts the reading frame from tyrosine 91.
Molecular consequence: frameshift variant. On other transcripts: non-coding transcript variant (1).
Genome position (GRCh38, 1-based): chr1:150,072,209, A deleted. VCF-style (leftmost placement, unchanged base first): chr1-150072208-TA-T. GRCh37 (hg19) VCF-style: chr1-150044275-TA-T.
Other names: c.164del, p.Tyr55fs (NM_001279353.2, NM_001279354.2); short protein forms Y55fs, Y91fs.
Identifiers: ClinVar variation 4815528 (VCV004815528.1).
Genomic context (GRCh38, chr1:150,072,208, plus strand): 5'-TTGTTCTTCATTTTCTAGGAGAATGTGGATTATATTATTCAGGAGCTCCGAAGACCCAAA[TA>T]CACTATATATTTCATTTGTAAGTATGTTAGTTCACTTTTTCAAACATGTAACAACATCCC-3'